The following is an entry in ClinVar:

ClinVar aggregate classification (germline): Pathogenic (1 of 4 stars; one submission).

Conditions:
Spastic paraplegia. Identifiers: MedGen C0037772, HP:0001258.

Allele frequency attached by ClinVar (database versions not stated): gnomAD exomes below 0.00001; TOPMed 0.00001.
gnomAD v4.1: 1 of 1,614,196 alleles (0.000062%); highest among the groups gnomAD compares: Non-Finnish European, 0.000085%; no homozygotes.

Submission:

Labcorp Genetics (formerly Invitae), Labcorp
Classification: Pathogenic for Spastic paraplegia. Last evaluated: 2020-11-04. Review status: criteria provided, single submitter. Criteria: Invitae Variant Classification Sherloc (09022015). Collection method: clinical testing. Allele origin: germline.
Comment: For these reasons, this variant has been classified as Pathogenic. This variant has not been reported in the literature in individuals with ZFYVE26-related conditions. This variant is not present in population databases (ExAC no frequency). This sequence change creates a premature translational stop signal (p.Tyr2160*) in the ZFYVE26 gene. It is expected to result in an absent or disrupted protein product. Loss-of-function variants in ZFYVE26 are known to be pathogenic (PMID: 18394578, 19805727).

Literature cited by the submitters: PubMed 18394578; PubMed 19805727.

NM_015346.4(ZFYVE26):c.6480C>G (p.Tyr2160Ter)

Gene: ZFYVE26 (zinc finger FYVE-type containing 26; minus strand). Cytogenetic location: 14q24.1.
Variant type: single nucleotide variant.
Coding change: c.6480C>G on transcript NM_015346.4 (MANE Select); coding-DNA position 6480, C replaced by G.
Protein change: p.Tyr2160Ter; replaces tyrosine 2160 with a stop codon.
Molecular consequence: nonsense.
Genome position (GRCh38, 1-based): chr14:67,761,474, G>C on the plus strand (C>G on the coding strand, the complement: ZFYVE26 is on the minus strand). VCF-style: chr14-67761474-G-C. GRCh37 (hg19) VCF-style: chr14-68228191-G-C.
Other names: short protein forms Y2160*.
Identifiers: ClinVar variation 1073753 (VCV001073753.7), dbSNP rs2038926434, ClinGen allele CA390163102.